The following is an entry in ClinVar:

ClinVar aggregate classification (germline): Uncertain significance (1 of 4 stars; one submission).

gnomAD v4.1: 5 of 1,614,192 alleles (0.00031%); highest among the groups gnomAD compares: Non-Finnish European, 0.00042%; no homozygotes.

Submission:

Labcorp Genetics (formerly Invitae), Labcorp
Classification: Uncertain significance. Last evaluated: 2026-01-23. Review status: criteria provided, single submitter. Criteria: Invitae Variant Classification Sherloc (09022015). Collection method: clinical testing. Allele origin: germline.
Comment: This sequence change replaces asparagine, which is neutral and polar, with serine, which is neutral and polar, at codon 1565 of the POLR1A protein (p.Asn1565Ser). This variant is present in population databases (no rsID available, gnomAD 0.0009%). This variant has not been reported in the literature in individuals affected with POLR1A-related conditions. Invitae Evidence Modeling of protein sequence and biophysical properties (such as structural, functional, and spatial information, amino acid conservation, physicochemical variation, residue mobility, and thermodynamic stability) indicates that this missense variant is not expected to disrupt POLR1A protein function with a negative predictive value of 80%. In summary, the available evidence is currently insufficient to determine the role of this variant in disease. Therefore, it has been classified as a Variant of Uncertain Significance.

NM_015425.6(POLR1A):c.4694A>G (p.Asn1565Ser)

Gene: POLR1A (RNA polymerase I subunit A; minus strand). Cytogenetic location: 2p11.2.
Variant type: single nucleotide variant.
Coding change: c.4694A>G on transcript NM_015425.6 (MANE Select); coding-DNA position 4694, A replaced by G.
Protein change: p.Asn1565Ser; replaces asparagine 1565 with serine.
Molecular consequence: missense variant.
Genome position (GRCh38, 1-based): chr2:86,030,281, T>C on the plus strand (A>G on the coding strand, the complement: POLR1A is on the minus strand). VCF-style: chr2-86030281-T-C. GRCh37 (hg19) VCF-style: chr2-86257404-T-C.
Other names: short protein forms N1565S.
Identifiers: ClinVar variation 4777556 (VCV004777556.1).